The following is an entry in ClinVar:

NM_000080.4(CHRNE):c.682A>G (p.Thr228Ala)

Genes: C17orf107 (chromosome 17 open reading frame 107; plus strand), CHRNE (cholinergic receptor nicotinic epsilon subunit; minus strand). Cytogenetic location: 17p13.2.
Variant type: single nucleotide variant.
Coding change: c.682A>G on transcript NM_000080.4 (MANE Select); coding-DNA position 682, A replaced by G.
Protein change: p.Thr228Ala; replaces threonine 228 with alanine.
Molecular consequence: missense variant. On other transcripts: 3 prime UTR variant (1).
Genome position (GRCh38, 1-based): chr17:4,901,110, T>C on the plus strand (A>G on the coding strand, the complement: CHRNE is on the minus strand). VCF-style: chr17-4901110-T-C. GRCh37 (hg19) VCF-style: chr17-4804405-T-C.
Other names: c.*577T>C (NM_001145536.2); short protein forms T228A.
Identifiers: ClinVar variation 2798015 (VCV002798015.3), dbSNP rs1252881821, ClinGen allele CA397305092.

ClinVar aggregate classification (germline): Uncertain significance (1 of 4 stars; one submission).

Conditions:
Congenital myasthenic syndrome 4A. Also called: Myasthenic syndrome, congenital, 4a, slow-channel; CONGENITAL MYASTHENIC SYNDROME TYPE Ia1; MYASTHENIC SYNDROME, CONGENITAL, 4A, SLOW-CHANNEL, AUTOSOMAL RECESSIVE. Identifiers: Orphanet 590, MedGen C4225413, MONDO:0011600, OMIM 605809.

Allele frequency attached by ClinVar (database versions not stated): gnomAD exomes below 0.00001; TOPMed 0.00001.
gnomAD v4.1: 2 of 1,613,326 alleles (0.00012%); highest among the groups gnomAD compares: Non-Finnish European, 0.00017%; no homozygotes.

Submission:

Labcorp Genetics (formerly Invitae), Labcorp
Classification: Uncertain significance for Congenital myasthenic syndrome 4A. Last evaluated: 2023-05-25. Review status: criteria provided, single submitter. Criteria: Invitae Variant Classification Sherloc (09022015). Collection method: clinical testing. Allele origin: germline.
Comment: In summary, the available evidence is currently insufficient to determine the role of this variant in disease. Therefore, it has been classified as a Variant of Uncertain Significance. Advanced modeling of protein sequence and biophysical properties (such as structural, functional, and spatial information, amino acid conservation, physicochemical variation, residue mobility, and thermodynamic stability) performed at Invitae indicates that this missense variant is not expected to disrupt CHRNE protein function. This variant has not been reported in the literature in individuals affected with CHRNE-related conditions. This sequence change replaces threonine, which is neutral and polar, with alanine, which is neutral and non-polar, at codon 228 of the CHRNE protein (p.Thr228Ala). This variant is present in population databases (no rsID available, gnomAD 0.0009%).